The following is an entry in ClinVar:

NM_057175.5(NAA15):c.1348A>C (p.Lys450Gln)

Gene: NAA15 (N-alpha-acetyltransferase 15, NatA auxiliary subunit; plus strand). Cytogenetic location: 4q31.1.
Variant type: single nucleotide variant.
Coding change: c.1348A>C on transcript NM_057175.5 (MANE Select); coding-DNA position 1348, A replaced by C.
Protein change: p.Lys450Gln; replaces lysine 450 with glutamine.
Molecular consequence: missense variant.
Genome position (GRCh38, 1-based): chr4:139,359,833, A>C. VCF-style: chr4-139359833-A-C. GRCh37 (hg19) VCF-style: chr4-140280987-A-C.
Other names: c.1348A>C, p.Lys450Gln (NM_001410842.1); short protein forms K450Q.
Identifiers: ClinVar variation 3370543 (VCV003370543.1).
Genomic context (GRCh38, chr4:139,359,833, plus strand): 5'-TGGATGGATGAGGCCCAGGCCTTGGACACAGCAGACAGATTTATCAACTCCAAATGTGCA[A>C]AATACATGCTAAAAGCCAACCTGATTAAAGAAGCTGAAGAAATGTGCTCAAAGTTTACAA-3'
Protein context (NP_476516.1, residues 440-460): ADRFINSKCA[Lys450Gln]YMLKANLIKE

ClinVar aggregate classification (germline): Uncertain significance (1 of 4 stars; one submission).

Submission:

GeneDx
Classification: Uncertain significance. Last evaluated: 2024-03-06. Review status: criteria provided, single submitter. Criteria: GeneDx Variant Classification Process June 2021. Collection method: clinical testing. Allele origin: germline. Affected: yes.
Comment: Not observed at significant frequency in large population cohorts (gnomAD); In silico analysis supports that this missense variant has a deleterious effect on protein structure/function; Has not been previously published as pathogenic or benign to our knowledge